The following is an entry in ClinVar:

ClinVar aggregate classification (germline): Benign (1 of 4 stars; one submission).

Submission:

GeneDx
Classification: Benign. Last evaluated: 2018-06-14. Review status: criteria provided, single submitter. Criteria: GeneDx Variant Classification (06012015). Collection method: clinical testing. Allele origin: germline. Affected: yes.
Comment: This variant is considered likely benign or benign based on one or more of the following criteria: it is a conservative change, it occurs at a poorly conserved position in the protein, it is predicted to be benign by multiple in silico algorithms, and/or has population frequency not consistent with disease.

NM_001267550.2(TTN):c.88307-196_88307-195del

Genes: TTN-AS1 (TTN antisense RNA 1; plus strand), TTN (titin; minus strand). Cytogenetic location: 2q31.2.
Variant type: Microsatellite.
Coding change: c.88307-196_88307-195del on transcript NM_001267550.2 (MANE Select); 196 bases into the intron before coding-DNA position 88307 through 195 bases into the intron before coding-DNA position 88307, 2 bases deleted (CA; older notation c.88307-196_88307-195delCA).
Molecular consequence: intron variant.
Genome position (GRCh38, 1-based): chr2:178,555,347-178,555,348, TG deleted on the plus strand (CA on the coding strand, the reverse complement: TTN is on the minus strand); deleting any 2 consecutive bases within chr2:178,555,347-178,555,350 gives the same sequence; the c. name uses the placement nearest the transcript's 3' end. VCF-style (leftmost placement, unchanged base first): chr2-178555346-CTG-C. GRCh37 (hg19) VCF-style: chr2-179420073-CTG-C.
Other names: c.61112-196_61112-195del (NM_003319.4); c.61688-196_61688-195del (NM_133437.4); c.61487-196_61487-195del (NM_133432.3); c.80603-196_80603-195del (NM_133378.4); c.83384-196_83384-195del (NM_001256850.1); c.83384-196_83384-195delCA (NM_001256850.1).
Identifiers: ClinVar variation 675433 (VCV000675433.1), dbSNP rs145641095, ClinGen allele CA60980418.
Genomic context (GRCh38, chr2:178,555,346, plus strand): 5'-TTATTATTTAAAAATTAAAAATTTATAGGCCACTCTTCTATCTCAGATGGGGTAGAAAGA[CTG>C]TGAGTTGTGCAGGGACTTAAGCACCTTTTACATGTGTTTTAAAGTCCATTAGTTGCTTTA-3'